The following is an entry in ClinVar:

NM_006939.4(SOS2):c.1939G>A (p.Glu647Lys)

Gene: SOS2 (SOS Ras/Rho guanine nucleotide exchange factor 2; minus strand). Cytogenetic location: 14q21.3.
Variant type: single nucleotide variant.
Coding change: c.1939G>A on transcript NM_006939.4 (MANE Select); coding-DNA position 1939, G replaced by A.
Protein change: p.Glu647Lys; replaces glutamic acid 647 with lysine.
Molecular consequence: missense variant.
Genome position (GRCh38, 1-based): chr14:50,157,117, C>T on the plus strand (G>A on the coding strand, the complement: SOS2 is on the minus strand). VCF-style: chr14-50157117-C-T. GRCh37 (hg19) VCF-style: chr14-50623835-C-T.
Other names: c.1840G>A, p.Glu614Lys (NM_001411020.1); short protein forms E614K, E647K.
Identifiers: ClinVar variation 1950675 (VCV001950675.5), dbSNP rs2502975261, ClinGen allele CA389644605.

ClinVar aggregate classification (germline): Uncertain significance (1 of 4 stars; one submission).

Conditions:
Noonan syndrome 9 (NS9). Identifiers: Orphanet 648, MedGen C4225282, MONDO:0014691, OMIM 616559.

gnomAD v4.1: 1 of 1,609,940 alleles (0.000062%); no homozygotes.

Submission:

Labcorp Genetics (formerly Invitae), Labcorp
Classification: Uncertain significance for Noonan syndrome 9. Last evaluated: 2025-08-02. Review status: criteria provided, single submitter. Criteria: Invitae Variant Classification Sherloc (09022015). Collection method: clinical testing. Allele origin: germline.
Comment: This sequence change replaces glutamic acid, which is acidic and polar, with lysine, which is basic and polar, at codon 647 of the SOS2 protein (p.Glu647Lys). This variant is not present in population databases (gnomAD no frequency). This variant has not been reported in the literature in individuals affected with SOS2-related conditions. ClinVar contains an entry for this variant (Variation ID: 1950675). Invitae Evidence Modeling of protein sequence and biophysical properties (such as structural, functional, and spatial information, amino acid conservation, physicochemical variation, residue mobility, and thermodynamic stability) indicates that this missense variant is not expected to disrupt SOS2 protein function with a negative predictive value of 95%. In summary, the available evidence is currently insufficient to determine the role of this variant in disease. Therefore, it has been classified as a Variant of Uncertain Significance.